The following is an entry in ClinVar:

NM_015341.5(NCAPH):c.1616T>C (p.Val539Ala)

Gene: NCAPH (non-SMC condensin I complex subunit H; plus strand). Cytogenetic location: 2q11.2.
Variant type: single nucleotide variant.
Coding change: c.1616T>C on transcript NM_015341.5 (MANE Select); coding-DNA position 1616, T replaced by C.
Protein change: p.Val539Ala; replaces valine 539 with alanine.
Molecular consequence: missense variant.
Genome position (GRCh38, 1-based): chr2:96,364,509, T>C. VCF-style: chr2-96364509-T-C. GRCh37 (hg19) VCF-style: chr2-97030247-T-C.
Other names: c.1583T>C, p.Val528Ala (NM_001281710.2); c.1544T>C, p.Val515Ala (NM_001281711.2); c.1208T>C, p.Val403Ala (NM_001281712.2); c.1616T>C (NM_015341.4); short protein forms V403A, V515A, V528A, V539A.
Identifiers: ClinVar variation 1321858 (VCV001321858.5), dbSNP rs2305935, ClinGen allele CA1780179.

ClinVar aggregate classification (germline): Benign. Review status: criteria provided, multiple submitters, no conflicts (2 of 4 stars). 3 submissions from 3 submitters: Benign (2). 1 of the submissions does not count toward it. Last evaluated 2021-09-05.

Conditions:
NCAPH-related disorder. Also called: NCAPH-related condition.
Microcephaly 23, primary, autosomal recessive. Identifiers: MedGen C4693843, MONDO:0054806, OMIM 617985.

Allele frequency attached by ClinVar (database versions not stated): gnomAD 0.30067 and 0.31485; TOPMed 0.30999; ESP Exome Variant Server 0.31755; gnomAD exomes 0.34057 and 0.35247; ExAC 0.35770; 1000 Genomes Project 30x 0.38086; 1000 Genomes Project 0.38099.
gnomAD v4.1: 545,891 of 1,610,056 alleles (34%); highest among the groups gnomAD compares: South Asian, 68%; 100,416 homozygotes.

Submissions (3):

Genome-Nilou Lab
Classification: Benign for Microcephaly 23, primary, autosomal recessive. Last evaluated: 2021-09-05. Review status: criteria provided, single submitter. Criteria: ACMG Guidelines, 2015. Collection method: clinical testing. Allele origin: germline. Affected: no.

Breakthrough Genomics
Classification: Benign. Review status: criteria provided, single submitter. Criteria: ACMG Guidelines, 2015. Collection method: not provided. Allele origin: germline. Inheritance: Autosomal recessive inheritance. Affected: yes.

PreventionGenetics, part of Exact Sciences
Classification: Benign for NCAPH-related condition. Last evaluated: 2019-10-17. Review status: no assertion criteria provided. Collection method: clinical testing. Allele origin: germline. Not counted in ClinVar's aggregate classification.
Comment: This variant is classified as benign based on ACMG/AMP sequence variant interpretation guidelines (Richards et al. 2015 PMID: 25741868, with internal and published modifications).